The following is an entry in ClinVar:

ClinVar aggregate classification (germline): Uncertain significance (1 of 4 stars; one submission).

Conditions:
Chuvash polycythemia. Also called: POLYCYTHEMIA, VHL-DEPENDENT. Identifiers: Orphanet 238557, MedGen C1837915, MONDO:0009892, OMIM 263400.
Von Hippel-Lindau syndrome (VHLS). Also called: von Hippel–Lindau syndrome; VHL syndrome; Von Hippel-Lindau. Identifiers: Orphanet 892, MedGen C0019562, MONDO:0008667, OMIM 193300. Disease mechanism: loss of function.

Submission:

Labcorp Genetics (formerly Invitae), Labcorp
Classification: Uncertain significance for Von Hippel-Lindau syndrome; Chuvash polycythemia. Last evaluated: 2025-02-11. Review status: criteria provided, single submitter. Criteria: Invitae Variant Classification Sherloc (09022015). Collection method: clinical testing. Allele origin: germline.
Comment: This sequence change replaces valine, which is neutral and non-polar, with leucine, which is neutral and non-polar, at codon 137 of the VHL protein (p.Val137Leu). This variant is present in population databases (no rsID available, gnomAD 0.006%). This variant has not been reported in the literature in individuals affected with VHL-related conditions. Invitae Evidence Modeling of protein sequence and biophysical properties (such as structural, functional, and spatial information, amino acid conservation, physicochemical variation, residue mobility, and thermodynamic stability) indicates that this missense variant is expected to disrupt VHL protein function with a positive predictive value of 95%. In summary, the available evidence is currently insufficient to determine the role of this variant in disease. Therefore, it has been classified as a Variant of Uncertain Significance.

NM_000551.4(VHL):c.409G>C (p.Val137Leu)

Genes: VHL (von Hippel-Lindau tumor suppressor; plus strand), LOC107303340 (3p25 von Hippel-Lindau tumor suppressor, E3 ubiquitin protein ligase Alu-mediated recombination region; plus strand). Cytogenetic location: 3p25.3.
Variant type: single nucleotide variant.
Coding change: c.409G>C on transcript NM_000551.4 (MANE Select); coding-DNA position 409, G replaced by C.
Protein change: p.Val137Leu; replaces valine 137 with leucine.
Molecular consequence: missense variant. On other transcripts: non-coding transcript variant (1), intron variant (2).
Genome position (GRCh38, 1-based): chr3:10,146,582, G>C. VCF-style: chr3-10146582-G-C. GRCh37 (hg19) VCF-style: chr3-10188266-G-C.
Other names: c.*18-3205G>C (NM_001354723.2); c.341-3205G>C (NM_198156.3); short protein forms V137L.
Identifiers: ClinVar variation 3760596 (VCV003760596.2).
Genomic context (GRCh38, chr3:10,146,582, plus strand): 5'-TGGCTCTTCAGAGATGCAGGGACACACGATGGGCTTCTGGTTAACCAAACTGAATTATTT[G>C]TGCCATCTCTCAATGTTGACGGACAGCCTATTTTTGCCAATATCACACTGCCAGGTACTG-3'
Protein context (NP_000542.1, residues 127-147): GLLVNQTELF[Val137Leu]PSLNVDGQPI